The following is an entry in ClinVar:

NM_006420.3(ARFGEF2):c.2023G>C (p.Val675Leu)

Gene: ARFGEF2 (ARF guanine nucleotide exchange factor 2; plus strand). Cytogenetic location: 20q13.13.
Variant type: single nucleotide variant.
Coding change: c.2023G>C on transcript NM_006420.3 (MANE Select); coding-DNA position 2023, G replaced by C.
Protein change: p.Val675Leu; replaces valine 675 with leucine.
Molecular consequence: missense variant.
Genome position (GRCh38, 1-based): chr20:48,984,793, G>C. VCF-style: chr20-48984793-G-C. GRCh37 (hg19) VCF-style: chr20-47601330-G-C.
Other names: p.Val675Leu; short protein forms V675L.
Identifiers: ClinVar variation 1401249 (VCV001401249.9), dbSNP rs772904648, ClinGen allele CA9898539.

ClinVar aggregate classification (germline): Uncertain significance. Review status: criteria provided, multiple submitters, no conflicts (2 of 4 stars). 2 submissions from 2 submitters: Uncertain significance (2). Last evaluated 2024-02-17.

Allele frequency attached by ClinVar (database versions not stated): ExAC 0.00001; TOPMed 0.00001.
gnomAD v4.1: 13 of 1,613,288 alleles (0.00081%); highest among the groups gnomAD compares: Non-Finnish European, 0.0011%; no homozygotes.

Submissions (2):

Labcorp Genetics (formerly Invitae), Labcorp
Classification: Uncertain significance. Last evaluated: 2024-02-17. Review status: criteria provided, single submitter. Criteria: Invitae Variant Classification Sherloc (09022015). Collection method: clinical testing. Allele origin: germline.
Comment: This sequence change replaces valine, which is neutral and non-polar, with leucine, which is neutral and non-polar, at codon 675 of the ARFGEF2 protein (p.Val675Leu). This variant is present in population databases (rs772904648, gnomAD 0.002%). This variant has not been reported in the literature in individuals affected with ARFGEF2-related conditions. ClinVar contains an entry for this variant (Variation ID: 1401249). An algorithm developed to predict the effect of missense changes on protein structure and function (PolyPhen-2) suggests that this variant is likely to be tolerated. In summary, the available evidence is currently insufficient to determine the role of this variant in disease. Therefore, it has been classified as a Variant of Uncertain Significance.

Mayo Clinic Laboratories, Mayo Clinic
Classification: Uncertain significance. Last evaluated: 2024-01-02. Review status: criteria provided, single submitter. Criteria: ACMG Guidelines, 2015. Collection method: clinical testing. Allele origin: germline. Observed: 1 variant allele.
Comment: BP4, PP2, PM2_moderate